The following is an entry in ClinVar:

NM_001035.3(RYR2):c.7067A>G (p.Asp2356Gly)

Gene: RYR2 (ryanodine receptor 2; plus strand). Cytogenetic location: 1q43.
Variant type: single nucleotide variant.
Coding change: c.7067A>G on transcript NM_001035.3 (MANE Select); coding-DNA position 7067, A replaced by G.
Protein change: p.Asp2356Gly; replaces aspartic acid 2356 with glycine.
Molecular consequence: missense variant.
Genome position (GRCh38, 1-based): chr1:237,639,153, A>G. VCF-style: chr1-237639153-A-G. GRCh37 (hg19) VCF-style: chr1-237802453-A-G.
Other names: short protein forms D2356G.
Identifiers: ClinVar variation 1756973 (VCV001756973.2), dbSNP rs1401322488, ClinGen allele CA345396018.

ClinVar aggregate classification (germline): Uncertain significance (1 of 4 stars; one submission).

Conditions:
Cardiovascular phenotype. Identifiers: MedGen CN230736.

Allele frequency attached by ClinVar (database versions not stated): gnomAD 0.00001.
gnomAD v4.1: 1 of 1,613,752 alleles (0.000062%); highest among the groups gnomAD compares: Non-Finnish European, 0.000085%; no homozygotes.

Submission:

Ambry Genetics
Classification: Uncertain significance for Cardiovascular phenotype. Last evaluated: 2020-03-11. Review status: criteria provided, single submitter. Criteria: Ambry Variant Classification Scheme 2023. Collection method: clinical testing. Allele origin: germline.
Comment: The p.D2356G variant (also known as c.7067A>G), located in coding exon 46 of the RYR2 gene, results from an A to G substitution at nucleotide position 7067. The aspartic acid at codon 2356 is replaced by glycine, an amino acid with similar properties. This amino acid position is highly conserved in available vertebrate species. In addition, this alteration is predicted to be deleterious by in silico analysis. Since supporting evidence is limited at this time, the clinical significance of this alteration remains unclear.